The following is an entry in ClinVar:

NM_001242896.3(DEPDC5):c.1683G>C (p.Met561Ile)

Gene: DEPDC5 (DEP domain containing 5, GATOR1 subcomplex subunit; plus strand). Cytogenetic location: 22q12.3.
Variant type: single nucleotide variant.
Coding change: c.1683G>C on transcript NM_001242896.3 (MANE Select); coding-DNA position 1683, G replaced by C.
Protein change: p.Met561Ile; replaces methionine 561 with isoleucine.
Molecular consequence: missense variant. On other transcripts: non-coding transcript variant (5).
Genome position (GRCh38, 1-based): chr22:31,819,038, G>C. VCF-style: chr22-31819038-G-C. GRCh37 (hg19) VCF-style: chr22-32215024-G-C.
Other names: c.1683G>C, p.Met561Ile (NM_001363854.2, NM_001364318.2, NM_001364319.2 and 6 more transcripts); c.1599G>C, p.Met533Ile (NM_001369901.1, NM_001369902.1); short protein forms M533I, M561I.
Identifiers: ClinVar variation 2759555 (VCV002759555.3), dbSNP rs1439252664, ClinGen allele CA411280265.
Genomic context (GRCh38, chr22:31,819,038, plus strand): 5'-TTCTGTGGTTTTTCTTTGTGACTCAACTCCATGATAACTGGCAGATGTCCTGGAGAACAT[G>C]ATGGAGCCACCACAGCGAGACTCCAGTGCACCAGGGAGGTTTCACGTTGGCAGTGCAGAA-3'
Protein context (NP_001229825.1, residues 551-571): YTSTRDVLEN[Met561Ile]MEPPQRDSSA

ClinVar aggregate classification (germline): Uncertain significance (1 of 4 stars; one submission).

Conditions:
Familial focal epilepsy with variable foci (FPEVF). Identifiers: Orphanet 98820, MedGen C1858477, MONDO:0020310.

Allele frequency attached by ClinVar (database versions not stated): gnomAD 0.00001.
gnomAD v4.1: 1 of 1,614,052 alleles (0.000062%); highest among the groups gnomAD compares: African/African-American, 0.0013%; no homozygotes.

Submission:

Labcorp Genetics (formerly Invitae), Labcorp
Classification: Uncertain significance for Familial focal epilepsy with variable foci. Last evaluated: 2023-09-10. Review status: criteria provided, single submitter. Criteria: Invitae Variant Classification Sherloc (09022015). Collection method: clinical testing. Allele origin: germline.
Comment: In summary, the available evidence is currently insufficient to determine the role of this variant in disease. Therefore, it has been classified as a Variant of Uncertain Significance. Experimental studies and prediction algorithms are not available or were not evaluated, and the functional significance of this variant is currently unknown. This variant has not been reported in the literature in individuals affected with DEPDC5-related conditions. This variant is present in population databases (no rsID available, gnomAD 0.01%). This sequence change replaces methionine, which is neutral and non-polar, with isoleucine, which is neutral and non-polar, at codon 561 of the DEPDC5 protein (p.Met561Ile).